The following is an entry in ClinVar:

NM_001369.3(DNAH5):c.12499+184G>A

Gene: DNAH5 (dynein axonemal heavy chain 5; minus strand). Cytogenetic location: 5p15.2.
Variant type: single nucleotide variant.
Coding change: c.12499+184G>A on transcript NM_001369.3 (MANE Select); 184 bases into the intron after coding-DNA position 12499, G replaced by A.
Molecular consequence: intron variant.
Genome position (GRCh38, 1-based): chr5:13,718,698, C>T on the plus strand (G>A on the coding strand, the complement: DNAH5 is on the minus strand). VCF-style: chr5-13718698-C-T. GRCh37 (hg19) VCF-style: chr5-13718807-C-T.
Identifiers: ClinVar variation 1678858 (VCV001678858.2), dbSNP rs76029211, ClinGen allele CA113919788.

ClinVar aggregate classification (germline): Likely benign (1 of 4 stars; one submission).

Allele frequency attached by ClinVar (database versions not stated): gnomAD 0.00879 and 0.00942; TOPMed 0.01013; 1000 Genomes Project 0.01038; 1000 Genomes Project 30x 0.01140.
gnomAD v4.1: 1,323 of 152,302 alleles (0.87%); highest among the groups gnomAD compares: African/African-American, 3%; 12 homozygotes.

Submission:

GeneDx
Classification: Likely benign. Last evaluated: 2020-11-08. Review status: criteria provided, single submitter. Criteria: GeneDx Variant Classification Process June 2021. Collection method: clinical testing. Allele origin: germline. Affected: yes.
Comment: See Variant Classification Assertion Criteria.